The following is an entry in ClinVar:

NM_001289104.2(PRKCSH):c.939GGA[7] (p.Glu323_Glu325del)

Gene: PRKCSH (PRKCSH beta subunit of glucosidase II; plus strand). Cytogenetic location: 19p13.2.
Variant type: Microsatellite.
Coding change: c.939GGA[7] on transcript NM_001289104.2 (MANE Select); seven copies in a row of the 3-base unit GGA starting at c.939; the reference has ten copies in a row; three copies, 9 bases deleted.
Protein change: p.Glu323_Glu325del.
Molecular consequence: inframe deletion.
Genome position (GRCh38, 1-based): chr19:11,447,549-11,447,557, GGAGGAGGA deleted; deleting any 9 consecutive bases within chr19:11,447,526-11,447,557 gives the same sequence; the position shown is the placement nearest the transcript's 3' end. VCF-style (leftmost placement, unchanged base first): chr19-11447525-AGAGGAGGAG-A. GRCh37 (hg19) VCF-style: chr19-11558340-AGAGGAGGAG-A.
Other names: c.960_968delGGAGGAGGA (NM_002743.3); c.939GGA[7], p.Glu323_Glu325del (NM_001001329.3, NM_001289102.2, NM_001289103.2 and 3 more transcripts); c.960_968del (NM_002743.3); c.960_968del9 (NM_002743.3).
Identifiers: ClinVar variation 713728 (VCV000713728.35), dbSNP rs3217229, ClinGen allele CA9213080.

ClinVar aggregate classification (germline): Benign/Likely benign. Review status: criteria provided, multiple submitters, no conflicts (2 of 4 stars). 4 submissions from 4 submitters: Benign (1); Likely benign (3). Last evaluated 2026-01-17.

Conditions:
PRKCSH-related disorder. Also called: PRKCSH-related condition.

Submissions (4):

Labcorp Genetics (formerly Invitae), Labcorp
Classification: Likely benign. Last evaluated: 2026-01-17. Review status: criteria provided, single submitter. Criteria: Invitae Variant Classification Sherloc (09022015). Collection method: clinical testing. Allele origin: germline.

PreventionGenetics, part of Exact Sciences
Classification: Likely benign for PRKCSH-related condition. Last evaluated: 2025-04-09. Review status: criteria provided, single submitter. Criteria: ACMG Guidelines, 2015. Collection method: clinical testing. Allele origin: germline.
Comment: This variant is classified as likely benign based on ACMG/AMP sequence variant interpretation guidelines (Richards et al. 2015 PMID: 25741868, with internal and published modifications).

Blueprint Genetics
Classification: Likely benign. Last evaluated: 2024-11-07. Review status: criteria provided, single submitter. Criteria: ACMG Guidelines, 2015. Collection method: clinical testing. Allele origin: germline.

CeGaT Center for Human Genetics Tuebingen
Classification: Benign. Last evaluated: 2022-08-01. Review status: criteria provided, single submitter. Criteria: CeGaT Center For Human Genetics Tuebingen Variant Classification Criteria Version 2. Collection method: clinical testing. Allele origin: germline. Affected: yes. Observed: 2 variant alleles.
Comment: PRKCSH: BS1, BS2